The following is an entry in ClinVar:

ClinVar aggregate classification (germline): Benign. Review status: criteria provided, multiple submitters, no conflicts (2 of 4 stars). 3 submissions from 3 submitters: Benign (2). 1 of the submissions does not count toward it. Last evaluated 2018-05-25.

Conditions:
NUP188-related disorder. Also called: NUP188-related condition.

Allele frequency attached by ClinVar (database versions not stated): ESP Exome Variant Server 0.00046; gnomAD 0.00121 and 0.00122; 1000 Genomes Project 0.00140; TOPMed 0.00264; ExAC 0.00287; gnomAD exomes 0.00354.

Submissions (3):

Labcorp Genetics (formerly Invitae), Labcorp
Classification: Benign. Last evaluated: 2018-05-25. Review status: criteria provided, single submitter. Criteria: Invitae Variant Classification Sherloc (09022015). Collection method: clinical testing. Allele origin: germline.

Breakthrough Genomics
Classification: Benign. Review status: criteria provided, single submitter. Criteria: ACMG Guidelines, 2015. Collection method: not provided. Allele origin: germline. Inheritance: Autosomal recessive inheritance. Affected: yes.

PreventionGenetics, part of Exact Sciences
Classification: Benign for NUP188-related condition. Last evaluated: 2019-02-26. Review status: no assertion criteria provided. Collection method: clinical testing. Allele origin: germline. Not counted in ClinVar's aggregate classification.
Comment: This variant is classified as benign based on ACMG/AMP sequence variant interpretation guidelines (Richards et al. 2015 PMID: 25741868, with internal and published modifications).

NM_015354.3(NUP188):c.1170C>T (p.Thr390=)

Gene: NUP188 (nucleoporin 188; plus strand). Cytogenetic location: 9q34.11.
Variant type: single nucleotide variant.
Coding change: c.1170C>T on transcript NM_015354.3 (MANE Select); coding-DNA position 1170, C replaced by T.
Protein change: p.Thr390=; no amino-acid change (threonine 390 retained).
Molecular consequence: synonymous variant.
Genome position (GRCh38, 1-based): chr9:128,973,216, C>T. VCF-style: chr9-128973216-C-T. GRCh37 (hg19) VCF-style: chr9-131735495-C-T.
Identifiers: ClinVar variation 716555 (VCV000716555.6), dbSNP rs142710734, ClinGen allele CA5272217.